The following is an entry in ClinVar:

NM_014714.4(IFT140):c.2611C>T (p.Arg871Cys)

Gene: IFT140 (intraflagellar transport 140; minus strand). Cytogenetic location: 16p13.3.
Variant type: single nucleotide variant.
Coding change: c.2611C>T on transcript NM_014714.4 (MANE Select); coding-DNA position 2611, C replaced by T.
Protein change: p.Arg871Cys; replaces arginine 871 with cysteine.
Molecular consequence: missense variant.
Genome position (GRCh38, 1-based): chr16:1,526,044, G>A on the plus strand (C>T on the coding strand, the complement: IFT140 is on the minus strand). VCF-style: chr16-1526044-G-A. GRCh37 (hg19) VCF-style: chr16-1576045-G-A.
Other names: short protein forms R871C.
Identifiers: ClinVar variation 987304 (VCV000987304.19), dbSNP rs767213195, ClinGen allele CA7813555.

ClinVar aggregate classification (germline): Conflicting classifications of pathogenicity. Review status: criteria provided, conflicting classifications (1 of 4 stars). 9 submissions from 9 submitters: Pathogenic (4); Likely pathogenic (3); Uncertain significance (2). Last evaluated 2026-09-10.

Conditions:
IFT140-related disorders.
Retinitis pigmentosa 80 (RP80). Identifiers: MedGen C4540439, MONDO:0054708, OMIM 617781.
Retinitis pigmentosa (RP). Identifiers: Orphanet 791, MedGen C0035334, MeSH D012174, MONDO:0019200, OMIM 268000. Inheritance: Autosomal dominant, autosomal recessive and X linked inheritance.
Saldino-Mainzer syndrome (SRTD9). Also called: SHORT-RIB THORACIC DYSPLASIA 9 WITHOUT POLYDACTYLY; short-rib thoracic dysplasia 9 with or without polydactyly; CONORENAL SYNDROME; Renal dysplasia, retinal pigmentary dystrophy, cerebellar ataxia and skeletal dysplasia. Identifiers: Orphanet 140969, MedGen C1849437, MONDO:0009964, OMIM 266920.
IFT140-related disorder. Also called: IFT140-related condition.

Allele frequency attached by ClinVar (database versions not stated): gnomAD exomes 0.00001; ExAC 0.00002; gnomAD 0.00003; TOPMed 0.00005.
gnomAD v4.1: 72 of 1,599,302 alleles (0.0045%); highest among the groups gnomAD compares: Non-Finnish European, 0.006%; no homozygotes.

Submissions (9):

PreventionGenetics, part of Exact Sciences
Classification: Likely pathogenic for IFT140-related condition. Last evaluated: 2026-09-10. Review status: criteria provided, single submitter. Criteria: ACMG Guidelines, 2015. Collection method: clinical testing. Allele origin: germline.
Comment: The IFT140 c.2611C>T variant is predicted to result in the amino acid substitution p.Arg871Cys. This variant was reported, along with a second potential causative variant, in individuals with retinitis pigmentosa (Xu et al. 2015. PubMed ID: 26216056; supplementary data, Stone et al. 2017. PubMed ID: 28559085; Daich Varela et al. 2023. PubMed ID: 36084042; supplementary data, Weisschuh et al. 2024. PubMed ID: 37734845; supplementary data, Lin et al. 2024. PubMed ID: 38219857) or an autosomal recessive skeletal ciliopathy (Patel et al. 2022. PubMed ID: 36063079). This variant was also described in a large cohort of individuals with retinal disease, although no additional genetic or clinical information was provided (supplementary data, Xu et al. 2019. PubMed ID: 31630094). This variant is reported in 0.0035% of alleles in individuals of European (Non-Finnish) descent in gnomAD. Taken together, we classify this variant as likely pathogenic.

Labcorp Genetics (formerly Invitae), Labcorp
Classification: Pathogenic for Saldino-Mainzer syndrome. Last evaluated: 2026-01-09. Review status: criteria provided, single submitter. Criteria: Invitae Variant Classification Sherloc (09022015). Collection method: clinical testing. Allele origin: germline.
Comment: This sequence change replaces arginine, which is basic and polar, with cysteine, which is neutral and slightly polar, at codon 871 of the IFT140 protein (p.Arg871Cys). The frequency data for this variant in the population databases is considered unreliable, as metrics indicate poor data quality at this position in the gnomAD database. This missense change has been observed in individual(s) with clinical features of retinitis pigmentosa (PMID: 26216056, 28559085; internal data). In at least one individual the data is consistent with being in trans (on the opposite chromosome) from a pathogenic variant. It has also been observed to segregate with disease in related individuals. ClinVar contains an entry for this variant (Variation ID: 987304). Invitae Evidence Modeling of protein sequence and biophysical properties (such as structural, functional, and spatial information, amino acid conservation, physicochemical variation, residue mobility, and thermodynamic stability) has been performed for this missense variant. However, the output from this modeling did not meet the statistical confidence thresholds required to predict the impact of this variant on IFT140 protein function. For these reasons, this variant has been classified as Pathogenic.

Women's Health and Genetics/Laboratory Corporation of America, LabCorp
Classification: Pathogenic for Retinitis pigmentosa. Last evaluated: 2024-12-09. Review status: criteria provided, single submitter. Criteria: LabCorp Variant Classification Summary - May 2015. Collection method: clinical testing. Allele origin: germline.
Comment: Variant summary: IFT140 c.2611C>T (p.Arg871Cys) results in a non-conservative amino acid change in the encoded protein sequence. Five of five in-silico tools predict a damaging effect of the variant on protein function. The variant allele was found at a frequency of 1.4e-05 in 221850 control chromosomes. c.2611C>T has been reported in the literature in multiple individuals affected with Retinitis Pigmentosa (examples: Xu_2015, Stone_2017, DaichVarela_2022,Lin_2024, Internal data). These data indicate that the variant is very likely to be associated with disease. The following publications have been ascertained in the context of this evaluation (PMID: 26216056, 28559085, 36084042, 38219857). ClinVar contains an entry for this variant (Variation ID: 987304). Based on the evidence outlined above, the variant was classified as pathogenic.

Fulgent Genetics
Classification: Likely pathogenic for Saldino-Mainzer syndrome; Retinitis pigmentosa 80. Last evaluated: 2024-06-10. Review status: criteria provided, single submitter. Criteria: ACMG Guidelines, 2015. Collection method: clinical testing. Allele origin: germline.

GeneDx
Classification: Likely pathogenic. Last evaluated: 2023-11-20. Review status: criteria provided, single submitter. Criteria: GeneDx Variant Classification Process June 2021. Collection method: clinical testing. Allele origin: germline. Affected: yes.
Comment: In silico analysis supports that this missense variant has a deleterious effect on protein structure/function; This variant is associated with the following publications: (PMID: 31630094, 28559085, 26216056)

Blueprint Genetics
Classification: Pathogenic for IFT140-related disorders. Last evaluated: 2023-08-17. Review status: criteria provided, single submitter. Criteria: ACMG Guidelines, 2015. Collection method: clinical testing. Allele origin: germline. Affected: yes. Observed: 5 variant alleles.

MGZ Medical Genetics Center
Classification: Uncertain significance for Retinitis pigmentosa 80. Last evaluated: 2021-09-14. Review status: criteria provided, single submitter. Criteria: ACMG Guidelines, 2015. Collection method: clinical testing. Allele origin: germline. Affected: yes. Observed: 1 variant allele.
Comment: ACMG criteria applied: PM3, PM2_SUP, PP1

Broad Center for Mendelian Genomics, Broad Institute of MIT and Harvard
Classification: Uncertain significance for Retinitis pigmentosa. Last evaluated: 2021-04-01. Review status: criteria provided, single submitter. Criteria: ACMG Guidelines, 2015. Collection method: curation. Allele origin: germline. Inheritance: Autosomal recessive inheritance. Affected: yes.
Comment: Through a review of available evidence we were able to apply the following criteria: PM2, PP3, PM3-P. Based on this evidence we have classified this variant as a Variant of Uncertain Significance. If you have any questions about the classification please reach out to the Pierce Lab.

Institute of Medical Genetics and Applied Genomics, University Hospital Tübingen
Classification: Pathogenic. Last evaluated: 2020-10-23. Review status: criteria provided, single submitter. Criteria: ACMG Guidelines, 2015. Collection method: clinical testing. Allele origin: germline. Inheritance: Autosomal recessive inheritance. Affected: yes.

Literature cited by the submitters: PubMed 26216056 (cited by 3 submitters); PubMed 28559085 (cited by 3 submitters); PubMed 38219857 (cited by Women's Health and Genetics/Laboratory Corporation of America, LabCorp); PubMed 36084042 (cited by Women's Health and Genetics/Laboratory Corporation of America, LabCorp); PubMed 34906470 (cited by Broad Center for Mendelian Genomics, Broad Institute of MIT and Harvard); PubMed 31630094 (cited by Broad Center for Mendelian Genomics, Broad Institute of MIT and Harvard).